The following is an entry in ClinVar:

NM_003118.4(SPARC):c.490C>A (p.Pro164Thr)

Gene: SPARC (secreted protein acidic and cysteine rich; minus strand). Cytogenetic location: 5q33.1.
Variant type: single nucleotide variant.
Coding change: c.490C>A on transcript NM_003118.4 (MANE Select); coding-DNA position 490, C replaced by A.
Protein change: p.Pro164Thr; replaces proline 164 with threonine.
Molecular consequence: missense variant.
Genome position (GRCh38, 1-based): chr5:151,667,562, G>T on the plus strand (C>A on the coding strand, the complement: SPARC is on the minus strand). VCF-style: chr5-151667562-G-T. GRCh37 (hg19) VCF-style: chr5-151047123-G-T.
Other names: c.487C>A, p.Pro163Thr (NM_001309443.2); c.490C>A, p.Pro164Thr (NM_001309444.2); short protein forms P163T, P164T.
Identifiers: ClinVar variation 2859848 (VCV002859848.3), dbSNP rs765540729, ClinGen allele CA361832469.

ClinVar aggregate classification (germline): Uncertain significance (1 of 4 stars; one submission).

gnomAD v4.1: 2 of 1,614,178 alleles (0.00012%); highest among the groups gnomAD compares: Non-Finnish European, 0.000085%; no homozygotes.

Submission:

Labcorp Genetics (formerly Invitae), Labcorp
Classification: Uncertain significance. Last evaluated: 2023-04-27. Review status: criteria provided, single submitter. Criteria: Invitae Variant Classification Sherloc (09022015). Collection method: clinical testing. Allele origin: germline.
Comment: This sequence change replaces proline, which is neutral and non-polar, with threonine, which is neutral and polar, at codon 164 of the SPARC protein (p.Pro164Thr). This variant is not present in population databases (gnomAD no frequency). This variant has not been reported in the literature in individuals affected with SPARC-related conditions. Advanced modeling of protein sequence and biophysical properties (such as structural, functional, and spatial information, amino acid conservation, physicochemical variation, residue mobility, and thermodynamic stability) has been performed at Invitae for this missense variant, however the output from this modeling did not meet the statistical confidence thresholds required to predict the impact of this variant on SPARC protein function. In summary, the available evidence is currently insufficient to determine the role of this variant in disease. Therefore, it has been classified as a Variant of Uncertain Significance.